The following is an entry in ClinVar:

NM_003722.5(TP63):c.1357A>G (p.Ile453Val)

Gene: TP63 (tumor protein p63; plus strand). Cytogenetic location: 3q28.
Variant type: single nucleotide variant.
Coding change: c.1357A>G on transcript NM_003722.5 (MANE Select); coding-DNA position 1357, A replaced by G.
Protein change: p.Ile453Val; replaces isoleucine 453 with valine.
Molecular consequence: missense variant.
Genome position (GRCh38, 1-based): chr3:189,886,401, A>G. VCF-style: chr3-189886401-A-G. GRCh37 (hg19) VCF-style: chr3-189604190-A-G.
Other names: c.1357A>G, p.Ile453Val (NM_001114978.2, NM_001329144.2); c.1075A>G, p.Ile359Val (NM_001114980.2, NM_001114981.2, NM_001329145.2); c.820A>G, p.Ile274Val (NM_001329146.2); c.1345A>G, p.Ile449Val (NM_001329148.2); c.1063A>G, p.Ile355Val (NM_001329149.2); c.808A>G, p.Ile270Val (NM_001329150.2); c.1351A>G, p.Ile451Val (NM_001329964.2); short protein forms I274V, I270V, I355V, I449V, I453V, I359V, I451V.
Identifiers: ClinVar variation 2057902 (VCV002057902.2), dbSNP rs781491083, ClinGen allele CA2752468.

ClinVar aggregate classification (germline): Uncertain significance (1 of 4 stars; one submission).

Conditions:
TP63-Related Spectrum Disorders.

Allele frequency attached by ClinVar (database versions not stated): ExAC 0.00001.
gnomAD v4.1: 7 of 1,614,054 alleles (0.00043%); highest among the groups gnomAD compares: Admixed American, 0.005%; no homozygotes.

Submission:

Labcorp Genetics (formerly Invitae), Labcorp
Classification: Uncertain significance. Last evaluated: 2023-01-11. Review status: criteria provided, single submitter. Criteria: Invitae Variant Classification Sherloc (09022015). Collection method: clinical testing. Allele origin: germline.
Comment: In summary, the available evidence is currently insufficient to determine the role of this variant in disease. Therefore, it has been classified as a Variant of Uncertain Significance. Algorithms developed to predict the effect of missense changes on protein structure and function (SIFT, PolyPhen-2, Align-GVGD) all suggest that this variant is likely to be tolerated. This variant has not been reported in the literature in individuals affected with TP63-related conditions. This variant is present in population databases (rs781491083, gnomAD 0.006%). This sequence change replaces isoleucine, which is neutral and non-polar, with valine, which is neutral and non-polar, at codon 453 of the TP63 protein (p.Ile453Val).